The following is an entry in ClinVar:

ClinVar aggregate classification (germline): Uncertain significance (1 of 4 stars; one submission).

Conditions:
Hereditary cancer-predisposing syndrome. Also called: Neoplastic Syndromes, Hereditary; Tumor predisposition; Hereditary neoplastic syndrome; Hereditary Cancer Syndrome. Identifiers: Orphanet 140162, MedGen C0027672, MeSH D009386, MONDO:0015356.

Submission:

Ambry Genetics
Classification: Uncertain significance for Hereditary cancer-predisposing syndrome. Last evaluated: 2025-02-14. Review status: criteria provided, single submitter. Criteria: Ambry Variant Classification Scheme 2023. Collection method: clinical testing. Allele origin: germline.
Comment: The p.E625D variant (also known as c.1875G>C), located in coding exon 6 of the AXIN2 gene, results from a G to C substitution at nucleotide position 1875. The glutamic acid at codon 625 is replaced by aspartic acid, an amino acid with highly similar properties. This amino acid position is conserved. In addition, the in silico prediction for this alteration is inconclusive. Since supporting evidence is limited at this time, the clinical significance of this alteration remains unclear.

NM_004655.4(AXIN2):c.1875G>C (p.Glu625Asp)

Gene: AXIN2 (axin 2; minus strand). Cytogenetic location: 17q24.1.
Variant type: single nucleotide variant.
Coding change: c.1875G>C on transcript NM_004655.4 (MANE Select); coding-DNA position 1875, G replaced by C.
Protein change: p.Glu625Asp; replaces glutamic acid 625 with aspartic acid.
Molecular consequence: missense variant. On other transcripts: intron variant (1).
Genome position (GRCh38, 1-based): chr17:65,536,901, C>G on the plus strand (G>C on the coding strand, the complement: AXIN2 is on the minus strand). VCF-style: chr17-65536901-C-G. GRCh37 (hg19) VCF-style: chr17-63533019-C-G.
Other names: c.1713-348G>C (NM_001363813.1); short protein forms E625D.
Identifiers: ClinVar variation 2451656 (VCV002451656.3), dbSNP rs1555577370, ClinGen allele CA400676437.
Genomic context (GRCh38, chr17:65,536,901, plus strand): 5'-GGCCGCGGCGGCGGCAAGCGGTGTTTACCTATGGGGCTTGGGCTTGCTCTGCCGCTCACT[C>G]TCCAGCATCCACTGCCAGACATCCTGCGACCTGTCTCCTTCCTCCCGGGGAAGCTGCAGG-3'
Protein context (NP_004646.3, residues 615-635): RSQDVWQWML[Glu625Asp]SERQSKPKPH